The following is an entry in ClinVar:

ClinVar aggregate classification (germline): Conflicting classifications of pathogenicity. Review status: criteria provided, conflicting classifications (1 of 4 stars). 6 submissions from 6 submitters: Uncertain significance (3); Likely benign (2). 1 of the submissions does not count toward it. Last evaluated 2026-04-15.

Conditions:
ZNF469-related disorder. Also called: ZNF469-related condition.
Cardiovascular phenotype. Identifiers: MedGen CN230736.

Allele frequency attached by ClinVar (database versions not stated): gnomAD exomes 0.00039; ExAC 0.00069.
gnomAD v4.1: 210 of 1,543,978 alleles (0.014%); highest among the groups gnomAD compares: Middle Eastern, 0.12%; no homozygotes.

Submissions (6):

Women's Health and Genetics/Laboratory Corporation of America, LabCorp
Classification: Likely benign. Last evaluated: 2026-04-15. Review status: criteria provided, single submitter. Criteria: LabCorp Variant Classification Summary - May 2015. Collection method: clinical testing. Allele origin: germline.
Comment: Variant summary: ZNF469 c.2168G>C (p.Ser723Thr) results in a conservative amino acid change in the encoded protein sequence. Algorithms developed to predict the effect of missense changes on protein structure and function all suggest that this variant is likely to be tolerated. The variant allele was found at a frequency of 0.00014 in 1543978 control chromosomes, predominantly at a frequency of 0.0045 within the Ashkenazi Jewish subpopulation in the gnomAD database. The observed variant frequency within Ashkenazi Jewish control individuals in the gnomAD database exceeds the estimated maximal expected allele frequency for disease-causing variants in ZNF469. To our knowledge, no occurrence of c.2168G>C in individuals affected with ZNF469-related conditions and no experimental evidence demonstrating its impact on protein function have been reported. ClinVar contains an entry for this variant (Variation ID: 1215120). Based on the evidence outlined above, the variant was classified as likely benign.

Labcorp Genetics (formerly Invitae), Labcorp
Classification: Likely benign. Last evaluated: 2026-02-01. Review status: criteria provided, single submitter. Criteria: Invitae Variant Classification Sherloc (09022015). Collection method: clinical testing. Allele origin: germline.

CeGaT Center for Human Genetics Tuebingen
Classification: Uncertain significance. Last evaluated: 2024-10-01. Review status: criteria provided, single submitter. Criteria: CeGaT Center For Human Genetics Tuebingen Variant Classification Criteria Version 2. Collection method: clinical testing. Allele origin: germline. Affected: yes. Observed: 1 variant allele.
Comment: ZNF469: PM2

GeneDx
Classification: Uncertain significance. Last evaluated: 2023-04-12. Review status: criteria provided, single submitter. Criteria: GeneDx Variant Classification Process June 2021. Collection method: clinical testing. Allele origin: germline. Affected: yes.
Comment: Has not been previously published as pathogenic or benign to our knowledge; In silico analysis supports that this missense variant does not alter protein structure/function

Ambry Genetics
Classification: Uncertain significance for Cardiovascular phenotype. Last evaluated: 2021-08-13. Review status: criteria provided, single submitter. Criteria: Ambry Variant Classification Scheme 2023. Collection method: clinical testing. Allele origin: germline.

PreventionGenetics, part of Exact Sciences
Classification: Likely benign for ZNF469-related condition. Last evaluated: 2024-09-17. Review status: no assertion criteria provided. Collection method: clinical testing. Allele origin: germline. Not counted in ClinVar's aggregate classification.
Comment: This variant is classified as likely benign based on ACMG/AMP sequence variant interpretation guidelines (Richards et al. 2015 PMID: 25741868, with internal and published modifications).

NM_001367624.2(ZNF469):c.2168G>C (p.Ser723Thr)

Gene: ZNF469 (zinc finger protein 469; plus strand). Cytogenetic location: 16q24.2.
Variant type: single nucleotide variant.
Coding change: c.2168G>C on transcript NM_001367624.2 (MANE Select); coding-DNA position 2168, G replaced by C.
Protein change: p.Ser723Thr; replaces serine 723 with threonine.
Molecular consequence: missense variant.
Genome position (GRCh38, 1-based): chr16:88,429,638, G>C. VCF-style: chr16-88429638-G-C. GRCh37 (hg19) VCF-style: chr16-88496046-G-C.
Other names: NM_001127464.1:c.2168G>C; NM_001127464.2:c.2168G>C; short protein forms S723T.
Identifiers: ClinVar variation 1215120 (VCV001215120.28), dbSNP rs777747160, ClinGen allele CA8224750.